The following is an entry in ClinVar:

ClinVar aggregate classification (germline): Uncertain significance. Review status: criteria provided, multiple submitters, no conflicts (2 of 4 stars). 3 submissions from 3 submitters: Uncertain significance (2). 1 of the submissions does not count toward it. Last evaluated 2025-02-13.

Conditions:
DDX41-related hematologic malignancy predisposition syndrome. Also called: Myeloproliferative/lymphoproliferative neoplasms, familial (multiple types), susceptibility to; DDX41-Associated Familial Myelodysplastic Syndrome and Acute Myeloid Leukemia. Identifiers: Orphanet 488647, MedGen C4225174, MONDO:0014809, OMIM 616871.
DDX41-related disorder. Also called: DDX41-related condition.
Inborn genetic diseases. Identifiers: MedGen C0950123, MeSH D030342.

Allele frequency attached by ClinVar (database versions not stated): ExAC 0.00001; gnomAD 0.00001; gnomAD exomes 0.00001; TOPMed 0.00001.
gnomAD v4.1: 6 of 1,614,032 alleles (0.00037%); highest among the groups gnomAD compares: Non-Finnish European, 0.00034%; no homozygotes.

Submissions (3):

Ambry Genetics
Classification: Uncertain significance for Inborn genetic diseases. Last evaluated: 2025-02-13. Review status: criteria provided, single submitter. Criteria: Ambry Variant Classification Scheme 2023. Collection method: clinical testing. Allele origin: germline.
Comment: The p.V504I variant (also known as c.1510G>A), located in coding exon 14 of the DDX41 gene, results from a G to A substitution at nucleotide position 1510. The valine at codon 504 is replaced by isoleucine, an amino acid with highly similar properties. This amino acid position is highly conserved in available vertebrate species. In addition, this alteration is predicted to be deleterious by in silico analysis. Based on the available evidence, the clinical significance of this variant remains unclear.

Baylor Genetics
Classification: Uncertain significance for DDX41-related hematologic malignancy predisposition syndrome. Last evaluated: 2023-11-02. Review status: criteria provided, single submitter. Criteria: ACMG Guidelines, 2015. Collection method: clinical testing. Allele origin: unknown.

PreventionGenetics, part of Exact Sciences
Classification: Uncertain significance for DDX41-related condition. Last evaluated: 2024-02-19. Review status: no assertion criteria provided. Collection method: clinical testing. Allele origin: germline. Not counted in ClinVar's aggregate classification.
Comment: The DDX41 c.1510G>A variant is predicted to result in the amino acid substitution p.Val504Ile. This variant has been reported in a cohort study of myeloid neoplasm (Makishima et al. 2022. PubMed ID: 36322930. Figure 1B). This variant is reported in 0.0033% of alleles in individuals of South Asian descent in gnomAD. At this time, the clinical significance of this variant is uncertain due to the absence of conclusive functional and genetic evidence.

NM_016222.4(DDX41):c.1510G>A (p.Val504Ile)

Gene: DDX41 (DEAD-box helicase 41; minus strand). Cytogenetic location: 5q35.3.
Variant type: single nucleotide variant.
Coding change: c.1510G>A on transcript NM_016222.4 (MANE Select); coding-DNA position 1510, G replaced by A.
Protein change: p.Val504Ile; replaces valine 504 with isoleucine.
Molecular consequence: missense variant.
Genome position (GRCh38, 1-based): chr5:177,512,535, C>T on the plus strand (G>A on the coding strand, the complement: DDX41 is on the minus strand). VCF-style: chr5-177512535-C-T. GRCh37 (hg19) VCF-style: chr5-176939536-C-T.
Other names: c.1132G>A, p.Val378Ile (NM_001321732.2, NM_001321830.2); c.1510G>A (NM_016222.2); short protein forms V378I, V504I.
Identifiers: ClinVar variation 3061289 (VCV003061289.4), dbSNP rs753078023, ClinGen allele CA3584728.